The following is an entry in ClinVar:

ClinVar aggregate classification (germline): Uncertain significance (1 of 4 stars; one submission).

Allele frequency attached by ClinVar (database versions not stated): gnomAD 0.00001.
gnomAD v4.1: 1 of 1,191,648 alleles (0.000084%); highest among the groups gnomAD compares: Non-Finnish European, 0.00011%; no homozygotes.

Submission:

CeGaT Center for Human Genetics Tuebingen
Classification: Uncertain significance. Last evaluated: 2026-01-01. Review status: criteria provided, single submitter. Criteria: CeGaT Center For Human Genetics Tuebingen Variant Classification Criteria Version 2. Collection method: clinical testing. Allele origin: germline. Affected: yes. Observed: 1 variant allele.
Comment: SLC9A6: PM2, PVS1:Moderate

NM_001379110.1(SLC9A6):c.-56-43C>T

Genes: SLC9A6 (solute carrier family 9 member A6; plus strand), LOC130068746 (ATAC-STARR-seq lymphoblastoid silent region 21025; plus strand). Cytogenetic location: Xq26.3.
Variant type: single nucleotide variant.
Coding change: c.-56-43C>T on transcript NM_001379110.1 (MANE Select); 43 bases into the intron before 56 bases upstream of the start codon, C replaced by T.
Molecular consequence: intron variant. On other transcripts: nonsense (2).
Genome position (GRCh38, 1-based): chrX:135,985,560, C>T. VCF-style: chrX-135985560-C-T. GRCh37 (hg19) VCF-style: chrX-135067719-C-T.
Other names: c.58C>T, p.Arg20Ter (NM_001042537.2, NM_006359.3); c.-56-43C>T (NM_001177651.2, NM_001330652.2); short protein forms R20*.
Identifiers: ClinVar variation 1335794 (VCV001335794.35), dbSNP rs1556614733, ClinGen allele CA414606431.